The following is an entry in ClinVar:

NM_017654.4(SAMD9):c.2238G>T (p.Leu746Phe)

Gene: SAMD9 (sterile alpha motif domain containing 9; minus strand). Cytogenetic location: 7q21.2.
Variant type: single nucleotide variant.
Coding change: c.2238G>T on transcript NM_017654.4 (MANE Select); coding-DNA position 2238, G replaced by T.
Protein change: p.Leu746Phe; replaces leucine 746 with phenylalanine.
Molecular consequence: missense variant.
Genome position (GRCh38, 1-based): chr7:93,103,860, C>A on the plus strand (G>T on the coding strand, the complement: SAMD9 is on the minus strand). VCF-style: chr7-93103860-C-A. GRCh37 (hg19) VCF-style: chr7-92733173-C-A.
Other names: c.2238G>T, p.Leu746Phe (NM_001193307.2); short protein forms L746F.
Identifiers: ClinVar variation 4159014 (VCV004159014.1).

ClinVar aggregate classification (germline): Uncertain significance (1 of 4 stars; one submission).

Conditions:
Inborn genetic diseases. Identifiers: MedGen C0950123, MeSH D030342.

Submission:

Ambry Genetics
Classification: Uncertain significance for Inborn genetic diseases. Last evaluated: 2025-06-18. Review status: criteria provided, single submitter. Criteria: Ambry Variant Classification Scheme 2023. Collection method: clinical testing. Allele origin: germline.
Comment: The p.L746F variant (also known as c.2238G>T), located in coding exon 1 of the SAMD9 gene, results from a G to T substitution at nucleotide position 2238. The leucine at codon 746 is replaced by phenylalanine, an amino acid with highly similar properties. This amino acid position is conserved. In addition, the in silico prediction for this alteration is inconclusive. Based on the available evidence, the clinical significance of this variant remains unclear.